The following is an entry in ClinVar:

ClinVar aggregate classification (germline): Uncertain significance (1 of 4 stars; one submission).

Conditions:
Spinocerebellar ataxia type 19/22 (SCA19). Also called: SPINOCEREBELLAR ATAXIA 22; SPINOCEREBELLAR ATAXIA 19. Identifiers: Orphanet 98772, MedGen C1846367, MONDO:0011819, OMIM 607346.

Submission:

Labcorp Genetics (formerly Invitae), Labcorp
Classification: Uncertain significance for Spinocerebellar ataxia type 19/22. Last evaluated: 2019-09-20. Review status: criteria provided, single submitter. Criteria: Invitae Variant Classification Sherloc (09022015). Collection method: clinical testing. Allele origin: germline.
Comment: This sequence change replaces glycine with alanine at codon 129 of the KCND3 protein (p.Gly129Ala). The glycine residue is highly conserved and there is a small physicochemical difference between glycine and alanine. This variant is not present in population databases (ExAC no frequency). This variant has not been reported in the literature in individuals with KCND3-related conditions. Algorithms developed to predict the effect of missense changes on protein structure and function (SIFT, PolyPhen-2, Align-GVGD) all suggest that this variant is likely to be tolerated, but these predictions have not been confirmed by published functional studies and their clinical significance is uncertain. In summary, the available evidence is currently insufficient to determine the role of this variant in disease. Therefore, it has been classified as a Variant of Uncertain Significance.

NM_001378969.1(KCND3):c.386G>C (p.Gly129Ala)

Gene: KCND3 (potassium voltage-gated channel subfamily D member 3; minus strand). Cytogenetic location: 1p13.2.
Variant type: single nucleotide variant.
Coding change: c.386G>C on transcript NM_001378969.1 (MANE Select); coding-DNA position 386, G replaced by C.
Protein change: p.Gly129Ala; replaces glycine 129 with alanine.
Molecular consequence: missense variant.
Genome position (GRCh38, 1-based): chr1:111,982,341, C>G on the plus strand (G>C on the coding strand, the complement: KCND3 is on the minus strand). VCF-style: chr1-111982341-C-G. GRCh37 (hg19) VCF-style: chr1-112524963-C-G.
Other names: c.386G>C, p.Gly129Ala (NM_001378970.1, NM_004980.5, NM_172198.3); short protein forms G129A.
Identifiers: ClinVar variation 940586 (VCV000940586.1), dbSNP rs1675001550, ClinGen allele CA341822267.
Genomic context (GRCh38, chr1:111,982,341, plus strand): 5'-TCCATGAGCCGCTCGGCGTTCTCCCTCTTGCGGTCCTTGTACTCCTCGTAGCAGCAGTCC[C>G]CGATGATCTCCGGGAGGATGCCGTAGAAGGCCAGCTCGTCGTCGTAGGCAGAGATGCACT-3'
Protein context (NP_001365898.1, residues 119-139): AFYGILPEII[Gly129Ala]DCCYEEYKDR